The following is an entry in ClinVar:

NM_000138.5(FBN1):c.7180C>T (p.Arg2394Ter)

Gene: FBN1 (fibrillin 1; minus strand). Cytogenetic location: 15q21.1.
Variant type: single nucleotide variant.
Coding change: c.7180C>T on transcript NM_000138.5 (MANE Select); coding-DNA position 7180, C replaced by T.
Protein change: p.Arg2394Ter; replaces arginine 2394 with a stop codon.
Molecular consequence: nonsense.
Genome position (GRCh38, 1-based): chr15:48,427,591, G>A on the plus strand (C>T on the coding strand, the complement: FBN1 is on the minus strand). VCF-style: chr15-48427591-G-A. GRCh37 (hg19) VCF-style: chr15-48719788-G-A.
Other names: short protein forms R2394*.
Identifiers: ClinVar variation 42422 (VCV000042422.79), dbSNP rs397515848, ClinGen allele CA017052.

ClinVar aggregate classification (germline): Pathogenic. Review status: criteria provided, multiple submitters, no conflicts (2 of 4 stars). 13 submissions from 13 submitters: Pathogenic (12). 1 of the submissions does not count toward it. Last evaluated 2026-01-27.

Conditions:
Cardiovascular phenotype. Identifiers: MedGen CN230736.
Marfan Syndrome/Loeys-Dietz Syndrome/Familial Thoracic Aortic Aneurysms and Dissections. Identifiers: MedGen CN229799.
Familial thoracic aortic aneurysm and aortic dissection (TAAD). Also called: Thoracic aortic aneurysms and dissections. Identifiers: Orphanet 91387, MedGen C4707243, MONDO:0019625.
Marfan syndrome (MFS). Also called: Marfan syndrome type 1; Marfan's syndrome; MARFAN SYNDROME, TYPE I; Marfan syndrome, classic; FBN1-Related Marfan Syndrome. Identifiers: Orphanet 284963, Orphanet 558, MedGen C0024796, MONDO:0007947, OMIM 154700.
FBN1-related disorder. Also called: FBN1-related disorders.

Submissions (13):

Labcorp Genetics (formerly Invitae), Labcorp
Classification: Pathogenic for Marfan syndrome; Familial thoracic aortic aneurysm and aortic dissection. Last evaluated: 2026-01-27. Review status: criteria provided, single submitter. Criteria: Invitae Variant Classification Sherloc (09022015). Collection method: clinical testing. Allele origin: germline.
Comment: This sequence change creates a premature translational stop signal (p.Arg2394*) in the FBN1 gene. It is expected to result in an absent or disrupted protein product. Loss-of-function variants in FBN1 are known to be pathogenic (PMID: 17657824, 19293843). This variant is not present in population databases (gnomAD no frequency). This premature translational stop signal has been observed in individuals with Marfan syndrome (PMID: 10647894, 19863550, 25101912, 27724990). It has also been observed to segregate with disease in related individuals. ClinVar contains an entry for this variant (Variation ID: 42422). For these reasons, this variant has been classified as Pathogenic.

Molecular Diagnostic Laboratory for Inherited Cardiovascular Disease, Montreal Heart Institute
Classification: Pathogenic for Cardiovascular phenotype. Last evaluated: 2025-06-16. Review status: criteria provided, single submitter. Criteria: ACMG Guidelines, 2015. Collection method: clinical testing. Allele origin: germline. Affected: yes.
Comment: PVS1, PS4, PM2, PM6, PS3_supp, PP1, PP4

Women's Health and Genetics/Laboratory Corporation of America, LabCorp
Classification: Pathogenic for Marfan Syndrome/Loeys-Dietz Syndrome/Familial Thoracic Aortic Aneurysms and Dissections. Last evaluated: 2024-09-04. Review status: criteria provided, single submitter. Criteria: LabCorp Variant Classification Summary - May 2015. Collection method: clinical testing. Allele origin: germline.
Comment: Variant summary: FBN1 c.7180C>T (p.Arg2394X) results in a premature termination codon, predicted to cause a truncation of the encoded protein or absence of the protein due to nonsense mediated decay, which are commonly known mechanisms for disease. The variant was absent in 251064 control chromosomes. c.7180C>T has been reported in the literature in multiple individuals affected with Marfan Syndrome (Halliday_1999, HOwarth_2007, Yoo_2010, Stheneur_2009). These data indicate that the variant is very likely to be associated with disease. To our knowledge, no experimental evidence demonstrating an impact on protein function has been reported. The following publications have been ascertained in the context of this evaluation (PMID: 10647894, 12161601, 11933199, 17627385, 19863550, 19293843). ClinVar contains an entry for this variant (Variation ID: 42422). Based on the evidence outlined above, the variant was classified as pathogenic.

GeneDx
Classification: Pathogenic. Last evaluated: 2024-03-07. Review status: criteria provided, single submitter. Criteria: GeneDx Variant Classification Process June 2021. Collection method: clinical testing. Allele origin: germline. Affected: yes.
Comment: Identified in patients with Marfan syndrome referred for genetic testing at GeneDx and in published literature (PMID: 10647894, 11933199, 17627385, 19863550, 27234404, 27724990, 27085269); Not observed at significant frequency in large population cohorts (gnomAD); Nonsense variant predicted to result in protein truncation or nonsense mediated decay in a gene for which loss of function is a known mechanism of disease; This variant is associated with the following publications: (PMID: 25525159, 33174221, 27724990, 19863550, 27085269, 17627385, 11933199, 10647894, 27234404, 32595695, 32679894, 35741789, 35058154, 25101912, 35916808, 19293843)

ARUP Laboratories, Molecular Genetics and Genomics, ARUP Laboratories
Classification: Pathogenic. Last evaluated: 2024-03-06. Review status: criteria provided, single submitter. Criteria: ARUP Molecular Germline Variant Investigation Process 2024. Collection method: clinical testing. Allele origin: germline.
Comment: The FBN1 c.7180C>T; p.Arg2394Ter variant (rs397515848) is reported in the literature in numerous individuals affected with Marfan syndrome (Halliday 1999, Hernandiz 2021, Hu 2020, Jimenez 2022, Meester 2022, Stark 2020). This variant is also reported in ClinVar (Variation ID: 42422) and is absent from the Genome Aggregation Database (v2.1.1), indicating it is not a common polymorphism. This variant induces an early termination codon and is predicted to result in a truncated protein or mRNA subject to nonsense-mediated decay. Based on available information, this variant is considered to be pathogenic. References: Halliday D et al. Molecular analysis of eight mutations in FBN1. Hum Genet. 1999 Dec;105(6):587-97. PMID: 10647894. Hernandez A et al. Genotype FBN1/phenotype relationship in a cohort of patients with Marfan syndrome. Clin Genet. 2021 Feb;99(2):269-280. PMID: 33174221. Hu X et al. Parallel Tests of Whole Exome Sequencing and Copy Number Variant Sequencing Increase the Diagnosis Yields of Rare Pediatric Disorders. Front Genet. 2020 Jun 11;11:473. PMID: 32595695. Jimenez Y et al. Exome Sequencing Identifies Genetic Variants Associated with Extreme Manifestations of the Cardiovascular Phenotype in Marfan Syndrome. Genes (Basel). 2022 Jun 8;13(6):1027. PMID: 35741789. Meester JAN et al. Molecular characterization and investigation of the role of genetic variation in phenotypic variability and response to treatment in a large pediatric Marfan syndrome cohort. Genet Med. 2022 Ma;24(5):1045-1053. PMID: 35058154. Stark VC et al. Genotype-Phenotype Correlation in Children: The Impact of FBN1 Variants on Pediatric Marfan Care. Genes (Basel). 2020 Jul 15;11(7):799. PMID: 32679894.

Blueprint Genetics
Classification: Pathogenic for FBN1-related disorders. Last evaluated: 2023-06-26. Review status: criteria provided, single submitter. Criteria: ACMG Guidelines, 2015. Collection method: clinical testing. Allele origin: germline. Affected: yes. Observed: 3 variant alleles.

Dasa
Classification: Pathogenic for Marfan syndrome. Last evaluated: 2021-09-02. Review status: criteria provided, single submitter. Criteria: ACMG Guidelines, 2015. Collection method: clinical testing. Allele origin: germline. Affected: yes. Observed: 1 variant allele.
Comment: This sequence change creates a premature translational stop signal c.7180C>T;p.(Arg2394*) in the FBN1 gene. It is expected to result in an absent or disrupted protein product - PVS1; this variant is not present in population databases (rs397515848, gnomAD; ABraOM no frequency) - PM2; this variant has been observed in individuals affected with Marfan syndrome (PMID: 25101912; 19863550; 10647894; 27724990; GeneOne, DASA) - PS4; ClinVar contains an entry for this variant (ClinVar ID: 42422); this variant has been observed to segregate with Marfan syndrome in a family (PMID: 27724990) - PP1. For these reasons, this variant was classified as pathogenic.

Centre of Medical Genetics, University of Antwerp
Classification: Pathogenic for Marfan syndrome. Last evaluated: 2021-03-01. Review status: criteria provided, single submitter. Criteria: Submitter's publication. Collection method: research. Allele origin: unknown. Affected: yes.
Comment: PM2, PVS1, PP4

CeGaT Center for Human Genetics Tuebingen
Classification: Pathogenic. Last evaluated: 2019-01-01. Review status: criteria provided, single submitter. Criteria: CeGaT Center For Human Genetics Tuebingen Variant Classification Criteria Version 2. Collection method: clinical testing. Allele origin: germline. Affected: yes. Observed: 1 variant allele.

Ambry Genetics
Classification: Pathogenic for Familial thoracic aortic aneurysm and aortic dissection. Last evaluated: 2018-09-28. Review status: criteria provided, single submitter. Criteria: Ambry Variant Classification Scheme 2023. Collection method: clinical testing. Allele origin: germline.
Comment: The p.R2394* pathogenic mutation (also known as c.7180C>T), located in coding exon 57 of the FBN1 gene, results from a C to T substitution at nucleotide position 7180. This changes the amino acid from an arginine to a stop codon within coding exon 57. This alteration has been reported in multiple subjects with Marfan syndrome and has been reported as a de novo alteration (Halliday D et al. Hum. Genet., 1999 Dec;105:587-97; Howarth R et al. Genet. Test., 2007;11:146-52; Stheneur C et al. Eur. J. Hum. Genet., 2009 Sep;17:1121-8; Baudhuin LM et al. Genet. Med., 2015 Mar;17:177-87; Yang H et al. Clin. Chim. Acta, 2016 Aug;459:30-35). In addition to the clinical data presented in the literature, this alteration is expected to result in loss of function by premature protein truncation or nonsense-mediated mRNA decay. As such, this alteration is interpreted as a disease-causing mutation.

Center for Human Genetics, Inc
Classification: Pathogenic for Marfan syndrome. Last evaluated: 2016-11-01. Review status: criteria provided, single submitter. Criteria: ACMG Guidelines, 2015. Collection method: clinical testing. Allele origin: germline. Affected: yes.

Laboratory for Molecular Medicine, Mass General Brigham Personalized Medicine
Classification: Pathogenic for Marfan syndrome. Last evaluated: 2011-07-05. Review status: criteria provided, single submitter. Criteria: LMM Criteria. Collection method: clinical testing. Allele origin: germline. Observed: 1 variant allele.

Center for Medical Genetics Ghent, University of Ghent
Classification: Pathogenic for Marfan syndrome. Last evaluated: 2017-11-07. Review status: no assertion criteria provided. Collection method: clinical testing. Allele origin: germline. Affected: yes. Not counted in ClinVar's aggregate classification.

Literature cited by the submitters: PubMed 17657824 (cited by Labcorp Genetics (formerly Invitae), Labcorp); PubMed 19293843 (cited by 3 submitters); PubMed 10647894 (cited by 5 submitters); PubMed 19863550 (cited by 5 submitters); PubMed 25101912 (cited by 3 submitters); PubMed 27724990 (cited by 3 submitters); PubMed 12161601 (cited by Women's Health and Genetics/Laboratory Corporation of America, LabCorp); PubMed 11933199 (cited by Women's Health and Genetics/Laboratory Corporation of America, LabCorp and Ambry Genetics); PubMed 17627385 (cited by Women's Health and Genetics/Laboratory Corporation of America, LabCorp and Ambry Genetics); PubMed 27234404 (cited by Ambry Genetics).